The following is an entry in ClinVar:

NM_001365536.1(SCN9A):c.2754_2756del (p.Ile919del)

Genes: SCN9A (sodium voltage-gated channel alpha subunit 9; minus strand), SCN1A-AS1 (SCN1A and SCN9A antisense RNA 1; plus strand). Cytogenetic location: 2q24.3.
Variant type: Deletion.
Coding change: c.2754_2756del on transcript NM_001365536.1 (MANE Select); coding-DNA positions 2754 to 2756, 3 bases deleted (GAT; older notation c.2754_2756delGAT).
Protein change: p.Ile919del; deletes isoleucine 919.
Molecular consequence: inframe deletion. On other transcripts: non-coding transcript variant (1), inframe indel (1).
Genome position (GRCh38, 1-based): chr2:166,277,101-166,277,103, ATC deleted on the plus strand (GAT on the coding strand, the reverse complement: SCN9A is on the minus strand); deleting any 3 consecutive bases within chr2:166,277,101-166,277,104 gives the same sequence; the c. name uses the placement nearest the transcript's 3' end. VCF-style (leftmost placement, unchanged base first): chr2-166277100-AATC-A. GRCh37 (hg19) VCF-style: chr2-167133610-AATC-A.
Other names: c.2720_2722delTGA, p.Ile908del (NM_002977.4); short protein forms I908del, I919del.
Identifiers: ClinVar variation 1405455 (VCV001405455.8), dbSNP rs2106468911, ClinGen allele CA2573133704.

ClinVar aggregate classification (germline): Uncertain significance (1 of 4 stars; one submission).

Conditions:
Neuropathy, hereditary sensory and autonomic, type 2A (HSAN2A). Also called: WNK1-Related HSAN2 (HSAN2A); MORVAN DISEASE; NEUROPATHY, CONGENITAL SENSORY; NEUROPATHY, HEREDITARY SENSORY RADICULAR, AUTOSOMAL RECESSIVE; NEUROPATHY, HEREDITARY SENSORY, TYPE IIA; NEUROPATHY, PROGRESSIVE SENSORY, OF CHILDREN. Identifiers: Orphanet 970, MedGen C2752089, MONDO:0024309, OMIM 201300.
Generalized epilepsy with febrile seizures plus, type 7 (GEFSP7). Also called: GEFS+, TYPE 7. Identifiers: Orphanet 36387, MedGen C2751778, MONDO:0013470, OMIM 613863.

Submission:

Labcorp Genetics (formerly Invitae), Labcorp
Classification: Uncertain significance for Neuropathy, hereditary sensory and autonomic, type 2A; Generalized epilepsy with febrile seizures plus, type 7. Last evaluated: 2022-03-23. Review status: criteria provided, single submitter. Criteria: Invitae Variant Classification Sherloc (09022015). Collection method: clinical testing. Allele origin: germline.
Comment: This variant is not present in population databases (gnomAD no frequency). This variant, c.2721_2723del, results in the deletion of 1 amino acid(s) of the SCN9A protein (p.Ile908del), but otherwise preserves the integrity of the reading frame. This variant has not been reported in the literature in individuals affected with SCN9A-related conditions. In summary, the available evidence is currently insufficient to determine the role of this variant in disease. Therefore, it has been classified as a Variant of Uncertain Significance. Experimental studies and prediction algorithms are not available or were not evaluated, and the functional significance of this variant is currently unknown.